The following is an entry in ClinVar:

ClinVar aggregate classification (germline): Likely benign (1 of 4 stars; one submission).

Conditions:
CTBP2-related disorder. Also called: CTBP2-related condition.

gnomAD v4.1: 48 of 1,613,186 alleles (0.003%); highest among the groups gnomAD compares: Admixed American, 0.048%; no homozygotes.

Submission:

PreventionGenetics, part of Exact Sciences
Classification: Likely benign for CTBP2-related condition. Last evaluated: 2026-02-19. Review status: criteria provided, single submitter. Criteria: ACMG Guidelines, 2015. Collection method: clinical testing. Allele origin: germline.
Comment: This variant is classified as likely benign based on ACMG/AMP sequence variant interpretation guidelines (Richards et al. 2015 PMID: 25741868, with internal and published modifications).

NM_001329.4(CTBP2):c.58+12635G>A

Gene: CTBP2 (C-terminal binding protein 2; minus strand). Cytogenetic location: 10q26.13.
Variant type: single nucleotide variant.
Coding change: c.58+12635G>A on transcript NM_001329.4 (MANE Select); 12635 bases into the intron after coding-DNA position 58, G replaced by A.
Molecular consequence: intron variant. On other transcripts: synonymous variant (1).
Genome position (GRCh38, 1-based): chr10:125,026,362, C>T on the plus strand (G>A on the coding strand, the complement: CTBP2 is on the minus strand). VCF-style: chr10-125026362-C-T. GRCh37 (hg19) VCF-style: chr10-126714931-C-T.
Other names: c.1398G>A, p.Pro466= (NM_022802.3); c.58+12635G>A (NM_001083914.3, NM_001290214.3, NM_001321012.2 and 3 more transcripts).
Identifiers: ClinVar variation 4979408 (VCV004979408.1).